The following is an entry in ClinVar:

NM_001267550.2(TTN):c.97312G>T (p.Glu32438Ter)

Genes: TTN (titin; minus strand), TTN-AS1 (TTN antisense RNA 1; plus strand). Cytogenetic location: 2q31.2.
Variant type: single nucleotide variant.
Coding change: c.97312G>T on transcript NM_001267550.2 (MANE Select); coding-DNA position 97312, G replaced by T.
Protein change: p.Glu32438Ter; replaces glutamic acid 32438 with a stop codon.
Molecular consequence: nonsense.
Genome position (GRCh38, 1-based): chr2:178,542,444, C>A on the plus strand (G>T on the coding strand, the complement: TTN is on the minus strand). VCF-style: chr2-178542444-C-A. GRCh37 (hg19) VCF-style: chr2-179407171-C-A.
Other names: c.92389G>T, p.Glu30797Ter (NM_001256850.1); c.70117G>T, p.Glu23373Ter (NM_003319.4); c.89608G>T, p.Glu29870Ter (NM_133378.4); c.70492G>T, p.Glu23498Ter (NM_133432.3); c.70693G>T, p.Glu23565Ter (NM_133437.4); short protein forms E30797*, E23373*, E23498*, E23565*, E32438*, E29870*.
Identifiers: ClinVar variation 2131239 (VCV002131239.4), dbSNP rs2468890840, ClinGen allele CA349440615.
Genomic context (GRCh38, chr2:178,542,444, plus strand): 5'-TGGACCTAGTCACTGATTCAGAAACGGGCAGCCATCCTGGACGATGAGCGTCACGTTGTT[C>A]TACCACATAACCACTCAGTGGAGCACCACCGTCCAATTCAGGTGGTTCCCAGGAAATGGT-3'

ClinVar aggregate classification (germline): Likely pathogenic (1 of 4 stars; one submission).

Conditions:
Dilated cardiomyopathy 1G (CMD1G). Identifiers: Orphanet 154, MedGen C1858763, MONDO:0011400, OMIM 604145.
Autosomal recessive limb-girdle muscular dystrophy type 2J (LGMDR10). Also called: MUSCULAR DYSTROPHY, LIMB-GIRDLE, AUTOSOMAL RECESSIVE 10; Limb-girdle muscular dystrophy, type 2J. Identifiers: Orphanet 140922, MedGen C1837342, MONDO:0012127, OMIM 608807.

Submission:

Labcorp Genetics (formerly Invitae), Labcorp
Classification: Likely pathogenic for Dilated cardiomyopathy 1G; Autosomal recessive limb-girdle muscular dystrophy type 2J. Last evaluated: 2022-04-28. Review status: criteria provided, single submitter. Criteria: Invitae Variant Classification Sherloc (09022015). Collection method: clinical testing. Allele origin: germline.
Comment: In summary, the currently available evidence indicates that the variant is pathogenic, but additional data are needed to prove that conclusively. Therefore, this variant has been classified as Likely Pathogenic. This variant is located in the A band of TTN (PMID: 25589632). Truncating variants in this region are significantly overrepresented in patients affected with dilated cardiomyopathy (PMID: 25589632). Truncating variants in this region have also been reported in individuals affected with autosomal recessive centronuclear myopathy (PMID: 23975875). This variant has not been reported in the literature in individuals affected with TTN-related conditions. This variant is not present in population databases (gnomAD no frequency). This sequence change creates a premature translational stop signal (p.Glu32438*) in the TTN gene. While this is not anticipated to result in nonsense mediated decay, it is expected to create a truncated TTN protein.

Literature cited by the submitters: PubMed 25589632; PubMed 23975875.